The following is an entry in ClinVar:

NC_000023.10:g.(?_131219609)_(131220062_?)dup

Gene: FRMD7 (FERM domain containing 7; minus strand). Cytogenetic location: Xq26.2.
Variant type: Duplication.
Identifiers: ClinVar variation 1066903 (VCV001066903.6).

ClinVar aggregate classification (germline): Likely pathogenic (1 of 4 stars; one submission).

Submission:

Labcorp Genetics (formerly Invitae), Labcorp
Classification: Likely pathogenic. Last evaluated: 2022-11-03. Review status: criteria provided, single submitter. Criteria: Invitae Variant Classification Sherloc (09022015). Collection method: clinical testing. Allele origin: germline.
Comment: This variant results in a copy number gain of the genomic region encompassing exon(s) 6-7 of the FRMD7 gene. While the exact position of this variant cannot be determined from the data, sub-genic copy number gains are generally in tandem (PMID: 25640679). This variant is predicted to be out-of-frame, and may result in an absent or disrupted protein product. Loss-of-function variants in FRMD7 are known to be pathogenic (PMID: 17013395). This variant has not been reported in the literature in individuals affected with FRMD7-related conditions. In summary, the currently available evidence indicates that the variant is pathogenic, but additional data are needed to prove that conclusively. Therefore, this variant has been classified as Likely Pathogenic.

Literature cited by the submitters: PubMed 25640679; PubMed 17013395.